The following is an entry in ClinVar:

ClinVar aggregate classification (germline): Uncertain significance (1 of 4 stars; one submission).

Conditions:
Symmetrical dyschromatosis of extremities (DSH). Also called: RETICULATE ACROPIGMENTATION OF DOHI; SYMMETRIC DYSCHROMATOSIS OF THE EXTREMITIES; Dyschromatosis symmetrica hereditaria; DYSCHROMATOSIS SYMMETRICA HEREDITARIA 1. Identifiers: Orphanet 41, MedGen C0406775, MONDO:0007483, OMIM 127400.
Aicardi-Goutieres syndrome 6 (AGS6). Identifiers: Orphanet 51, MedGen C3539013, MONDO:0014007, OMIM 615010.

Allele frequency attached by ClinVar (database versions not stated): gnomAD 0.00001; ExAC 0.00002; TOPMed 0.00001; gnomAD exomes 0.00001.
gnomAD v4.1: 14 of 1,613,914 alleles (0.00087%); highest among the groups gnomAD compares: Middle Eastern, 0.016%; no homozygotes.

Submission:

Labcorp Genetics (formerly Invitae), Labcorp
Classification: Uncertain significance for Aicardi-Goutieres syndrome 6; Symmetrical dyschromatosis of extremities. Last evaluated: 2025-09-03. Review status: criteria provided, single submitter. Criteria: Invitae Variant Classification Sherloc (09022015). Collection method: clinical testing. Allele origin: germline.
Comment: This sequence change replaces arginine, which is basic and polar, with histidine, which is basic and polar, at codon 633 of the ADAR protein (p.Arg633His). This variant is present in population databases (rs748307559, gnomAD 0.002%). This variant has not been reported in the literature in individuals affected with ADAR-related conditions. ClinVar contains an entry for this variant (Variation ID: 1415087). Invitae Evidence Modeling of protein sequence and biophysical properties (such as structural, functional, and spatial information, amino acid conservation, physicochemical variation, residue mobility, and thermodynamic stability) indicates that this missense variant is not expected to disrupt ADAR protein function with a negative predictive value of 80%. In summary, the available evidence is currently insufficient to determine the role of this variant in disease. Therefore, it has been classified as a Variant of Uncertain Significance.

NM_001111.5(ADAR):c.1898G>A (p.Arg633His)

Gene: ADAR (adenosine deaminase RNA specific; minus strand). Cytogenetic location: 1q21.3.
Variant type: single nucleotide variant.
Coding change: c.1898G>A on transcript NM_001111.5 (MANE Select); coding-DNA position 1898, G replaced by A.
Protein change: p.Arg633His; replaces arginine 633 with histidine.
Molecular consequence: missense variant.
Genome position (GRCh38, 1-based): chr1:154,597,864, C>T on the plus strand (G>A on the coding strand, the complement: ADAR is on the minus strand). VCF-style: chr1-154597864-C-T. GRCh37 (hg19) VCF-style: chr1-154570340-C-T.
Other names: c.1013G>A, p.Arg338His (NM_001025107.3, NM_001193495.2, NM_001365046.1 and 3 more transcripts); c.1925G>A, p.Arg642His (NM_001365045.1); c.1898G>A, p.Arg633His (NM_015840.4, NM_015841.4); short protein forms R633H, R642H, R338H.
Identifiers: ClinVar variation 1415087 (VCV001415087.8), dbSNP rs748307559, ClinGen allele CA1131433.
Genomic context (GRCh38, chr1:154,597,864, plus strand): 5'-GGACAGAGGACACGTAGGACATACTTGGGTTCATGGGCAGGGCCTTCTTTGGACAGGAGA[C>T]GGAATTCGCAGGAGTTCCCCAATTTGTGCATACACTCAAGCAGTGTGGTGACGGGGCTCT-3'
Protein context (NP_001102.3, residues 623-643): MHKLGNSCEF[Arg633His]LLSKEGPAHE